The following is an entry in ClinVar:

NM_001909.5(CTSD):c.68+1G>A

Gene: CTSD (cathepsin D; minus strand). Cytogenetic location: 11p15.5.
Variant type: single nucleotide variant.
Coding change: c.68+1G>A on transcript NM_001909.5 (MANE Select); the canonical splice donor site of the intron after coding-DNA position 68, G replaced by A.
Molecular consequence: splice donor variant.
Genome position (GRCh38, 1-based): chr11:1,763,791, C>T on the plus strand (G>A on the coding strand, the complement: CTSD is on the minus strand). VCF-style: chr11-1763791-C-T. GRCh37 (hg19) VCF-style: chr11-1785021-C-T.
Identifiers: ClinVar variation 2043090 (VCV002043090.4), dbSNP rs2493834457, ClinGen allele CA379100778.

ClinVar aggregate classification (germline): Likely pathogenic (1 of 4 stars; one submission).

Conditions:
Neuronal ceroid lipofuscinosis. Also called: Neuronal Ceroid Lipofuscinoses. Identifiers: Orphanet 216, Orphanet 79263, MedGen C0027877, MONDO:0016295. Disease mechanism: loss of function.

Submission:

Labcorp Genetics (formerly Invitae), Labcorp
Classification: Likely pathogenic for Neuronal ceroid lipofuscinosis. Last evaluated: 2021-12-15. Review status: criteria provided, single submitter. Criteria: Invitae Variant Classification Sherloc (09022015). Collection method: clinical testing. Allele origin: germline.
Comment: In summary, the currently available evidence indicates that the variant is pathogenic, but additional data are needed to prove that conclusively. Therefore, this variant has been classified as Likely Pathogenic. Algorithms developed to predict the effect of sequence changes on RNA splicing suggest that this variant may disrupt the consensus splice site. This variant has not been reported in the literature in individuals affected with CTSD-related conditions. This variant is not present in population databases (gnomAD no frequency). This sequence change affects a donor splice site in intron 1 of the CTSD gene. It is expected to disrupt RNA splicing. Variants that disrupt the donor or acceptor splice site typically lead to a loss of protein function (PMID: 16199547), and loss-of-function variants in CTSD are known to be pathogenic (PMID: 16670177, 26059544).

Literature cited by the submitters: PubMed 16199547; PubMed 16670177; PubMed 26059544.